The following is an entry in ClinVar:

NM_000051.4(ATM):c.3866del (p.Lys1289fs)

Gene: ATM (ATM serine/threonine kinase; plus strand). Cytogenetic location: 11q22.3.
Variant type: Deletion.
Coding change: c.3866del on transcript NM_000051.4 (MANE Select); coding-DNA position 3866, one base deleted (A; older notation c.3866delA).
Protein change: p.Lys1289fs; shifts the reading frame from lysine 1289.
Molecular consequence: frameshift variant.
Genome position (GRCh38, 1-based): chr11:108,284,346, A deleted; the last of 3 consecutive A bases (chr11:108,284,344-108,284,346); deleting any one gives the same sequence. VCF-style (leftmost placement, unchanged base first): chr11-108284343-CA-C. GRCh37 (hg19) VCF-style: chr11-108155070-CA-C.
Other names: c.3866del, p.Lys1289fs (NM_001351834.2); short protein forms K1289fs.
Identifiers: ClinVar variation 2111936 (VCV002111936.4), dbSNP rs2546886907, ClinGen allele CA2580083288.

ClinVar aggregate classification (germline): Pathogenic (1 of 4 stars; one submission).

Conditions:
Ataxia-telangiectasia syndrome (AT). Also called: Ataxia-telangiectasia; AT, COMPLEMENTATION GROUP C; ATAXIA-TELANGIECTASIA, COMPLEMENTATION GROUP A; ATAXIA-TELANGIECTASIA, FRESNO VARIANT; Ataxia-telangiectasia, complementation group E; LOUIS-BAR SYNDROME. Identifiers: Orphanet 100, MedGen C0004135, MONDO:0008840, OMIM 208900.

Submission:

Labcorp Genetics (formerly Invitae), Labcorp
Classification: Pathogenic for Ataxia-telangiectasia syndrome. Last evaluated: 2022-03-14. Review status: criteria provided, single submitter. Criteria: Invitae Variant Classification Sherloc (09022015). Collection method: clinical testing. Allele origin: germline.
Comment: For these reasons, this variant has been classified as Pathogenic. This variant has not been reported in the literature in individuals affected with ATM-related conditions. This variant is not present in population databases (gnomAD no frequency). This sequence change creates a premature translational stop signal (p.Lys1289Argfs*4) in the ATM gene. It is expected to result in an absent or disrupted protein product. Loss-of-function variants in ATM are known to be pathogenic (PMID: 23807571, 25614872).

Literature cited by the submitters: PubMed 23807571; PubMed 25614872.